The following is an entry in ClinVar:

ClinVar aggregate classification (germline): Conflicting classifications of pathogenicity. Review status: criteria provided, conflicting classifications (1 of 4 stars). 3 submissions from 3 submitters: Uncertain significance (2); Benign (1). Last evaluated 2026-01-26.

Allele frequency attached by ClinVar (database versions not stated): gnomAD exomes 0.00026 and 0.00065; ExAC 0.00105; 1000 Genomes Project 30x 0.00125; 1000 Genomes Project 0.00140; ESP Exome Variant Server 0.00233; gnomAD 0.00254 and 0.00281; TOPMed 0.00310.
gnomAD v4.1: 781 of 1,598,650 alleles (0.049%); highest among the groups gnomAD compares: African/African-American, 0.91%; 4 homozygotes.

Submissions (3):

Labcorp Genetics (formerly Invitae), Labcorp
Classification: Benign. Last evaluated: 2026-01-26. Review status: criteria provided, single submitter. Criteria: Invitae Variant Classification Sherloc (09022015). Collection method: clinical testing. Allele origin: germline.

Mayo Clinic Laboratories, Mayo Clinic
Classification: Uncertain significance. Last evaluated: 2025-01-01. Review status: criteria provided, single submitter. Criteria: ACMG Guidelines, 2015. Collection method: clinical testing. Allele origin: germline. Observed: 1 variant allele.
Comment: BP4

GeneDx
Classification: Uncertain significance. Last evaluated: 2024-12-05. Review status: criteria provided, single submitter. Criteria: GeneDx Variant Classification Process June 2021. Collection method: clinical testing. Allele origin: germline. Affected: yes.
Comment: Reported in a patient with inappropriate renal phosphate reabsorption in published literature (PMID: 22506049); In silico analysis supports that this missense variant has a deleterious effect on protein structure/function; Variants in candidate genes are classified as variants of uncertain significance in accordance with ACMG guidelines (PMID: 25741868); This variant is associated with the following publications: (PMID: 25165185, 27994151, 22506049)

Literature cited by the submitters: PubMed 22506049 (cited by Mayo Clinic Laboratories, Mayo Clinic); PubMed 27994151 (cited by Mayo Clinic Laboratories, Mayo Clinic).

NM_004252.5(NHERF1):c.203A>C (p.Glu68Ala)

Genes: NHERF1 (NHERF family PDZ scaffold protein 1; plus strand), SLC9A3R1-AS1 (SLC9A3R1 antisense RNA 1; minus strand). Cytogenetic location: 17q25.1.
Variant type: single nucleotide variant.
Coding change: c.203A>C on transcript NM_004252.5 (MANE Select); coding-DNA position 203, A replaced by C.
Protein change: p.Glu68Ala; replaces glutamic acid 68 with alanine.
Molecular consequence: missense variant.
Genome position (GRCh38, 1-based): chr17:74,749,049, A>C. VCF-style: chr17-74749049-A-C. GRCh37 (hg19) VCF-style: chr17-72745188-A-C.
Other names: p.Glu68Ala; short protein forms E68A.
Identifiers: ClinVar variation 449530 (VCV000449530.13), dbSNP rs139622189, ClinGen allele CA8750557.